The following is an entry in ClinVar:

ClinVar aggregate classification (germline): Uncertain significance (1 of 4 stars; one submission).

gnomAD v4.1: 9 of 1,613,930 alleles (0.00056%); highest among the groups gnomAD compares: Admixed American, 0.012%; no homozygotes.

Submission:

Labcorp Genetics (formerly Invitae), Labcorp
Classification: Uncertain significance. Last evaluated: 2024-11-04. Review status: criteria provided, single submitter. Criteria: Invitae Variant Classification Sherloc (09022015). Collection method: clinical testing. Allele origin: germline.
Comment: This sequence change replaces aspartic acid, which is acidic and polar, with asparagine, which is neutral and polar, at codon 149 of the RIPK1 protein (p.Asp149Asn). This variant is present in population databases (rs774425433, gnomAD 0.02%). This variant has not been reported in the literature in individuals affected with RIPK1-related conditions. An algorithm developed to predict the effect of missense changes on protein structure and function outputs the following: PolyPhen-2: "Possibly Damaging". The asparagine amino acid residue is found in multiple mammalian species, which suggests that this missense change does not adversely affect protein function. In summary, the available evidence is currently insufficient to determine the role of this variant in disease. Therefore, it has been classified as a Variant of Uncertain Significance.

NM_001354930.2(RIPK1):c.445G>A (p.Asp149Asn)

Gene: RIPK1 (receptor interacting serine/threonine kinase 1; plus strand). Cytogenetic location: 6p25.2.
Variant type: single nucleotide variant.
Coding change: c.445G>A on transcript NM_001354930.2 (MANE Select); coding-DNA position 445, G replaced by A.
Protein change: p.Asp149Asn; replaces aspartic acid 149 with asparagine.
Molecular consequence: missense variant. On other transcripts: 5 prime UTR variant (4), intron variant (1).
Genome position (GRCh38, 1-based): chr6:3,081,102, G>A. VCF-style: chr6-3081102-G-A. GRCh37 (hg19) VCF-style: chr6-3081336-G-A.
Other names: c.-159G>A (NM_001354933.2, NM_001354934.2, NM_001317061.3 and 1 more transcripts); c.445G>A, p.Asp149Asn (NM_003804.6); c.322-1983G>A (NM_001354931.2); short protein forms D149N.
Identifiers: ClinVar variation 3629125 (VCV003629125.2).